The following is an entry in ClinVar:

ClinVar aggregate classification (germline): Uncertain significance (1 of 4 stars; one submission).

Allele frequency attached by ClinVar (database versions not stated): gnomAD exomes below 0.00001; TOPMed below 0.00001.
gnomAD v4.1: 6 of 1,613,838 alleles (0.00037%); highest among the groups gnomAD compares: Non-Finnish European, 0.00051%; no homozygotes.

Submission:

Labcorp Genetics (formerly Invitae), Labcorp
Classification: Uncertain significance. Last evaluated: 2022-03-10. Review status: criteria provided, single submitter. Criteria: Invitae Variant Classification Sherloc (09022015). Collection method: clinical testing. Allele origin: germline.
Comment: In summary, the available evidence is currently insufficient to determine the role of this variant in disease. Therefore, it has been classified as a Variant of Uncertain Significance. Algorithms developed to predict the effect of missense changes on protein structure and function are either unavailable or do not agree on the potential impact of this missense change (SIFT: "Deleterious"; PolyPhen-2: "Possibly Damaging"; Align-GVGD: "Class C0"). ClinVar contains an entry for this variant (Variation ID: 1010827). This variant has not been reported in the literature in individuals affected with ADAM9-related conditions. This variant is not present in population databases (gnomAD no frequency). This sequence change replaces leucine, which is neutral and non-polar, with proline, which is neutral and non-polar, at codon 200 of the ADAM9 protein (p.Leu200Pro).

NM_003816.3(ADAM9):c.599T>C (p.Leu200Pro)

Gene: ADAM9 (ADAM metallopeptidase domain 9; plus strand). Cytogenetic location: 8p11.22.
Variant type: single nucleotide variant.
Coding change: c.599T>C on transcript NM_003816.3 (MANE Select); coding-DNA position 599, T replaced by C.
Protein change: p.Leu200Pro; replaces leucine 200 with proline.
Molecular consequence: missense variant. On other transcripts: non-coding transcript variant (3).
Genome position (GRCh38, 1-based): chr8:39,017,407, T>C. VCF-style: chr8-39017407-T-C. GRCh37 (hg19) VCF-style: chr8-38874926-T-C.
Other names: short protein forms L200P.
Identifiers: ClinVar variation 1010827 (VCV001010827.5), dbSNP rs997599282, ClinGen allele CA175205678.